The following is an entry in ClinVar:

NM_004364.5(CEBPA):c.798T>C (p.Ser266=)

Gene: CEBPA (CCAAT enhancer binding protein alpha; minus strand). Cytogenetic location: 19q13.11.
Variant type: single nucleotide variant.
Coding change: c.798T>C on transcript NM_004364.5 (MANE Select); coding-DNA position 798, T replaced by C.
Protein change: p.Ser266=; no amino-acid change (serine 266 retained).
Molecular consequence: synonymous variant.
Genome position (GRCh38, 1-based): chr19:33,301,617, A>G on the plus strand (T>C on the coding strand, the complement: CEBPA is on the minus strand). VCF-style: chr19-33301617-A-G. GRCh37 (hg19) VCF-style: chr19-33792523-A-G.
Other names: c.798T>C (NM_004364.3); c.441T>C, p.Ser147= (NM_001285829.2); c.903T>C, p.Ser301= (NM_001287424.2); c.756T>C, p.Ser252= (NM_001287435.2).
Identifiers: ClinVar variation 772293 (VCV000772293.14), dbSNP rs528683666, ClinGen allele CA307844210.

ClinVar aggregate classification (germline): Likely benign. Review status: criteria provided, multiple submitters, no conflicts (2 of 4 stars). 3 submissions from 3 submitters: Likely benign (2). 1 of the submissions does not count toward it. Last evaluated 2026-01-02.

Conditions:
Inborn genetic diseases. Identifiers: MedGen C0950123, MeSH D030342.
CEBPA-related disorder. Also called: CEBPA-related condition.
Acute myeloid leukemia (AML). Also called: Leukemia, acute myeloid, somatic; Leukemia, acute myelogenous, somatic; Acute myeloid leukemia, adult; AML adult; Acute non-lymphocytic leukemia; Acute granulocytic leukemia. Identifiers: Orphanet 519, MedGen C0023467, MeSH D015470, MONDO:0018874, OMIM 601626, HP:0004808. Disease mechanism: Constitutively activated FLT3.

Allele frequency attached by ClinVar (database versions not stated): gnomAD exomes below 0.00001; gnomAD 0.00001; 1000 Genomes Project 30x 0.00016; 1000 Genomes Project 0.00020.

Submissions (3):

Labcorp Genetics (formerly Invitae), Labcorp
Classification: Likely benign for Acute myeloid leukemia. Last evaluated: 2026-01-02. Review status: criteria provided, single submitter. Criteria: Invitae Variant Classification Sherloc (09022015). Collection method: clinical testing. Allele origin: germline.

Ambry Genetics
Classification: Likely benign for Inborn genetic diseases. Last evaluated: 2025-07-18. Review status: criteria provided, single submitter. Criteria: Ambry Variant Classification Scheme 2023. Collection method: clinical testing. Allele origin: germline.

PreventionGenetics, part of Exact Sciences
Classification: Likely benign for CEBPA-related condition. Last evaluated: 2021-11-10. Review status: no assertion criteria provided. Collection method: clinical testing. Allele origin: germline. Not counted in ClinVar's aggregate classification.
Comment: This variant is classified as likely benign based on ACMG/AMP sequence variant interpretation guidelines (Richards et al. 2015 PMID: 25741868, with internal and published modifications).